The following is an entry in ClinVar:

NM_013302.5(EEF2K):c.1443A>G (p.Val481=)

Gene: EEF2K (eukaryotic elongation factor 2 kinase). Cytogenetic location: 16p12.2.
Variant type: single nucleotide variant.
Coding change: c.1443A>G on transcript NM_013302.5 (MANE Select); coding-DNA position 1443, A replaced by G.
Protein change: p.Val481=; no amino-acid change (valine 481 retained).
Molecular consequence: synonymous variant.
Genome position (GRCh38, 1-based): chr16:22,266,392, A>G. VCF-style: chr16-22266392-A-G. GRCh37 (hg19) VCF-style: chr16-22277713-A-G.
Identifiers: ClinVar variation 2646311 (VCV002646311.24), dbSNP rs996068094, ClinGen allele CA279417958.

ClinVar aggregate classification (germline): Likely benign (1 of 4 stars; one submission).

gnomAD v4.1: 2 of 1,613,522 alleles (0.00012%); highest among the groups gnomAD compares: Middle Eastern, 0.017%; no homozygotes.

Submission:

CeGaT Center for Human Genetics Tuebingen
Classification: Likely benign. Last evaluated: 2022-06-01. Review status: criteria provided, single submitter. Criteria: CeGaT Center For Human Genetics Tuebingen Variant Classification Criteria Version 2. Collection method: clinical testing. Allele origin: germline. Affected: yes. Observed: 1 variant allele.
Comment: EEF2K: PM2:Supporting, BP4, BP7